The following is an entry in ClinVar:

ClinVar aggregate classification (germline): Uncertain significance (1 of 4 stars; one submission).

Submission:

Women's Health and Genetics/Laboratory Corporation of America, LabCorp
Classification: Uncertain significance. Last evaluated: 2025-05-16. Review status: criteria provided, single submitter. Criteria: LabCorp Variant Classification Summary - May 2015. Collection method: clinical testing. Allele origin: germline.
Comment: Variant summary: TTN c.11953G>A (p.Asp3985Asn) results in a conservative amino acid change in the encoded protein sequence. Algorithms developed to predict the effect of missense changes on protein structure and function are either unavailable or do not agree on the potential impact of this missense change. The variant was absent in 248864 control chromosomes. The available data on variant occurrences in the general population are insufficient to allow any conclusion about variant significance. To our knowledge, no occurrence of c.11953G>A in individuals affected with Dilated Cardiomyopathy and no experimental evidence demonstrating its impact on protein function have been reported. No submitters have cited clinical-significance assessments for this variant to ClinVar. Based on the evidence outlined above, the variant was classified as uncertain significance.

NM_001267550.2(TTN):c.15685G>A (p.Asp5229Asn)

Gene: TTN (titin; minus strand). Cytogenetic location: 2q31.2.
Variant type: single nucleotide variant.
Coding change: c.15685G>A on transcript NM_001267550.2 (MANE Select); coding-DNA position 15685, G replaced by A.
Protein change: p.Asp5229Asn; replaces aspartic acid 5229 with asparagine.
Molecular consequence: missense variant. On other transcripts: intron variant (3).
Genome position (GRCh38, 1-based): chr2:178,733,704, C>T on the plus strand (G>A on the coding strand, the complement: TTN is on the minus strand). VCF-style: chr2-178733704-C-T. GRCh37 (hg19) VCF-style: chr2-179598431-C-T.
Other names: c.14734G>A, p.Asp4912Asn (NM_001256850.1); c.11953G>A, p.Asp3985Asn (NM_133378.4); c.13282+4378G>A (NM_003319.4); c.13858+4378G>A (NM_133437.4); c.13657+4378G>A (NM_133432.3); short protein forms D3985N, D4912N, D5229N.
Identifiers: ClinVar variation 3902174 (VCV003902174.1).